The following is an entry in ClinVar:

ClinVar aggregate classification (germline): Likely benign (0 of 4 stars; one submission).

Conditions:
ATXN8OS-related disorder. Also called: ATXN8OS-related condition.

Allele frequency attached by ClinVar (database versions not stated): gnomAD exomes 0.00011; 1000 Genomes Project 0.00020; gnomAD 0.00027.
gnomAD v4.1: 109 of 757,358 alleles (0.014%); highest among the groups gnomAD compares: African/African-American, 0.075%; 7 homozygotes.

Submission:

PreventionGenetics, part of Exact Sciences
Classification: Likely benign for ATXN8OS-related condition. Last evaluated: 2022-08-08. Review status: no assertion criteria provided. Collection method: clinical testing. Allele origin: germline.
Comment: This variant is classified as likely benign based on ACMG/AMP sequence variant interpretation guidelines (Richards et al. 2015 PMID: 25741868, with internal and published modifications).

NR_002717.3(ATXN8OS):n.947T>A

Gene: ATXN8OS (ATXN8 opposite strand lncRNA; plus strand). Cytogenetic location: 13q21.33.
Variant type: single nucleotide variant.
Molecular consequence: non-coding transcript variant (on NR_002717.3).
Genome position: GRCh38 VCF-style: chr13-70139436-T-A. GRCh37 (hg19) VCF-style: chr13-70713568-T-A.
Identifiers: ClinVar variation 3045936 (VCV003045936.2), dbSNP rs538173757, ClinGen allele CA252266820.